The following is an entry in ClinVar:

NM_001384910.1(GUCA1A):c.601G>C (p.Gly201Arg)

Genes: GUCA1A (guanylate cyclase activator 1A; plus strand), GUCA1ANB-GUCA1A (GUCA1ANB-GUCA1A readthrough; plus strand). Cytogenetic location: 6p21.1.
Variant type: single nucleotide variant.
Coding change: c.601G>C on transcript NM_001384910.1 (MANE Select); coding-DNA position 601, G replaced by C.
Protein change: p.Gly201Arg; replaces glycine 201 with arginine.
Molecular consequence: missense variant.
Genome position (GRCh38, 1-based): chr6:42,179,398, G>C. VCF-style: chr6-42179398-G-C. GRCh37 (hg19) VCF-style: chr6-42147136-G-C.
Other names: c.601G>C, p.Gly201Arg (NM_000409.5, NM_001319061.2, NM_001319062.2); short protein forms G201R.
Identifiers: ClinVar variation 2728108 (VCV002728108.3), dbSNP rs373990138, ClinGen allele CA364110976.

ClinVar aggregate classification (germline): Uncertain significance (1 of 4 stars; one submission).

gnomAD v4.1: 1 of 1,593,042 alleles (0.000063%); highest among the groups gnomAD compares: Non-Finnish European, 0.000086%; no homozygotes.

Submission:

Labcorp Genetics (formerly Invitae), Labcorp
Classification: Uncertain significance. Last evaluated: 2024-01-15. Review status: criteria provided, single submitter. Criteria: Invitae Variant Classification Sherloc (09022015). Collection method: clinical testing. Allele origin: germline.
Comment: This sequence change replaces glycine, which is neutral and non-polar, with arginine, which is basic and polar, at codon 201 of the GUCA1A protein (p.Gly201Arg). This variant is not present in population databases (gnomAD no frequency). This variant has not been reported in the literature in individuals affected with GUCA1A-related conditions. Experimental studies and prediction algorithms are not available or were not evaluated, and the functional significance of this variant is currently unknown. In summary, the available evidence is currently insufficient to determine the role of this variant in disease. Therefore, it has been classified as a Variant of Uncertain Significance.